The following is an entry in ClinVar:

NM_000260.4(MYO7A):c.4715T>C (p.Leu1572Pro)

Gene: MYO7A (myosin VIIA; plus strand). Cytogenetic location: 11q13.5.
Variant type: single nucleotide variant.
Coding change: c.4715T>C on transcript NM_000260.4 (MANE Select); coding-DNA position 4715, T replaced by C.
Protein change: p.Leu1572Pro; replaces leucine 1572 with proline.
Molecular consequence: missense variant.
Genome position (GRCh38, 1-based): chr11:77,199,681, T>C. VCF-style: chr11-77199681-T-C. GRCh37 (hg19) VCF-style: chr11-76910726-T-C.
Other names: c.4601T>C, p.Leu1534Pro (NM_001127180.2); c.4568T>C, p.Leu1523Pro (NM_001369365.1); c.4715T>C (NM_000260.3); short protein forms L1523P, L1534P, L1572P.
Identifiers: ClinVar variation 988476 (VCV000988476.2), dbSNP rs1956925123, ClinGen allele CA381950781.

ClinVar aggregate classification (germline): Conflicting classifications of pathogenicity. Review status: criteria provided, conflicting classifications (1 of 4 stars). 2 submissions from 2 submitters: Likely pathogenic (1); Uncertain significance (1). Last evaluated 2025-04-11.

Submissions (2):

GeneDx
Classification: Uncertain significance. Last evaluated: 2025-04-11. Review status: criteria provided, single submitter. Criteria: GeneDx Variant Classification Process June 2021. Collection method: clinical testing. Allele origin: germline. Affected: yes.
Comment: Not observed at significant frequency in large population cohorts (gnomAD); In silico analysis supports that this missense variant has a deleterious effect on protein structure/function; Has not been previously published as pathogenic or benign to our knowledge

Clinical Genetics and Genomics, Karolinska University Hospital
Classification: Likely pathogenic. Last evaluated: 2016-01-18. Review status: criteria provided, single submitter. Criteria: ACMG Guidelines, 2015. Collection method: clinical testing. Allele origin: germline. Affected: yes. Observed: 1 variant allele.